The following continues an entry in ClinVar:

NM_000257.4(MYH7):c.2681A>G (p.Glu894Gly)

Gene: MYH7. ClinVar aggregate classification (germline): Pathogenic. Pathogenic (1).

Submissions 5 to 15 of 17:

All of Us Research Program, National Institutes of Health
Classification: Pathogenic for Hypertrophic cardiomyopathy. Last evaluated: 2024-09-23. Review status: criteria provided, single submitter. Criteria: ACMG Guidelines, 2015. Collection method: clinical testing. Allele origin: germline. Inheritance: Autosomal dominant inheritance. Observed: 1 variant allele, 1 heterozygote. Not counted in ClinVar's aggregate classification.
Comment: This missense variant replaces glutamic acid with glycine at codon 894 of the MYH7 protein. This variant is found within a highly conserved region of the myosin head domain. Missense variants in this region have been shown to be significantly overrepresented in individuals with hypertrophic cardiomyopathy (PMID: 27532257). Computational prediction tools indicate that this variant has a deleterious impact on protein structure and function. To our knowledge, functional studies have not been reported for this variant. This variant has been reported in over 20 individuals affected with hypertrophic cardiomyopathy (PMID: 15358028, 15519027, 15858117, 21511876, 23396983, 24793961, 25351510, 26914223, 27532257, 28408708, 28615295, 28790153, 29300372, 32228044, 32894683, 33495597, 34556856, 35026164, 37821546). In a study of a large cohort of individuals affected with hypertrophic cardiomyopathy, this variant was observed in 11 individuals out of a total of 6112 affected individuals (PMID: 27532257). It has been shown that this variant segregates with disease in 6 affected individuals from multiple families (PMID: 29300372). This variant has not been identified in the general population by the Genome Aggregation Database (gnomAD). Based on the available evidence, this variant is classified as Pathogenic.

This study involves interpretation of variants in research participants for the purpose of population health screening. Participant phenotype was not available at the time of variant classification. Additional details can be found in publication PMID: 35346344, PMCID: PMC8962531

Ambry Genetics
Classification: Pathogenic for Cardiovascular phenotype. Last evaluated: 2024-09-04. Review status: criteria provided, single submitter. Criteria: Ambry Variant Classification Scheme 2023. Collection method: clinical testing. Allele origin: germline. Not counted in ClinVar's aggregate classification.
Comment: The p.E894G pathogenic mutation (also known as c.2681A>G), located in coding exon 21 of the MYH7 gene, results from an A to G substitution at nucleotide position 2681. The glutamic acid at codon 894 is replaced by glycine, an amino acid with similar properties. This alteration is located in the myosin head domain, which contains a statistically significant clustering of pathogenic missense variants (Homburger JR et al. Proc Natl Acad Sci USA, 2016 06;113:6701-6; Walsh R et al. Genet Med, 2017 02;19:192-203; Ambry internal data). This alteration has been reported in several individuals from various hypertrophic cardiomyopathy (HCM) cohorts (Van Driest SL et al. J. Am. Coll. Cardiol. 2004 Aug;44:602-10; Yu B et al. J. Clin. Pathol. 2005 May;58:479-85; Kapplinger JD et al. J Cardiovasc Transl Res. 2014 Apr;7:347-61; Lopes LR et al. J. Med. Genet. 2013 Apr;50:228-39, Gruner C et al. Circ Cardiovasc Genet. 2011 Jun; 4:288-95; Walsh R et al. Genet. Med., 2017 Feb;19:192-203). In addition, this alteration has been described as an ancestral mutation in an Australian HCM cohort where it was seen in multiple individuals with HCM and in their affected family members (Ross SB et al. Circ Cardiovasc Genet, 2017 Jun;10:). This amino acid position is highly conserved in available vertebrate species. In addition, this alteration is predicted to be deleterious by in silico analysis. This variant is considered to be rare based on population cohorts in the Genome Aggregation Database (gnomAD). Based on the supporting evidence, this variant is interpreted as a disease-causing mutation.

Color Diagnostics, LLC DBA Color Health
Classification: Pathogenic for Cardiomyopathy. Last evaluated: 2024-07-23. Review status: criteria provided, single submitter. Criteria: ACMG Guidelines, 2015. Collection method: clinical testing. Allele origin: germline. Not counted in ClinVar's aggregate classification.
Comment: This missense variant replaces glutamic acid with glycine at codon 894 of the MYH7 protein. This variant is found within a highly conserved region of the myosin head domain. Missense variants in this region have been shown to be significantly overrepresented in individuals with hypertrophic cardiomyopathy (PMID: 27532257). Computational prediction tools indicate that this variant has a deleterious impact on protein structure and function. To our knowledge, functional studies have not been reported for this variant. This variant has been reported in over 20 individuals affected with hypertrophic cardiomyopathy (PMID: 15358028, 15519027, 15858117, 21511876, 23396983, 24793961, 25351510, 26914223, 27532257, 28408708, 28615295, 28790153, 29300372, 32228044, 32894683, 33495597, 34556856, 35026164, 37821546). In a study of a large cohort of individuals affected with hypertrophic cardiomyopathy, this variant was observed in 11 individuals out of a total of 6112 affected individuals (PMID: 27532257). It has been shown that this variant segregates with disease in 6 affected individuals from multiple families (PMID: 29300372). This variant has not been identified in the general population by the Genome Aggregation Database (gnomAD). Based on the available evidence, this variant is classified as Pathogenic.

Blueprint Genetics
Classification: Pathogenic for MYH7-related disorders. Last evaluated: 2024-07-12. Review status: criteria provided, single submitter. Criteria: ACMG Guidelines, 2015. Collection method: clinical testing. Allele origin: germline. Affected: yes. Observed: 5 variant alleles. Not counted in ClinVar's aggregate classification.

GeneDx
Classification: Pathogenic. Last evaluated: 2024-04-05. Review status: criteria provided, single submitter. Criteria: GeneDx Variant Classification Process June 2021. Collection method: clinical testing. Allele origin: germline. Affected: yes. Not counted in ClinVar's aggregate classification.
Comment: Classified as pathogenic by the ClinGen Cardiomyopathy Variant Curation Expert Panel (ClinVar; Variation ID: 42922); Not observed at significant frequency in large population cohorts (gnomAD); In silico analysis supports that this missense variant has a deleterious effect on protein structure/function; This variant is associated with the following publications: (PMID: 18761664, 27532257, 29300372, 24704860, 25961035, 25351510, 26914223, 15358028, 15858117, 21511876, 15519027, 24510615, 23396983, 28408708, 27247418, 24793961, 28606303, 28615295, 25132132, 21310275, 32894683, 28193612)

PreventionGenetics, part of Exact Sciences
Classification: Pathogenic for MYH7-related condition. Last evaluated: 2023-01-04. Review status: criteria provided, single submitter. Criteria: ACMG Guidelines, 2015. Collection method: clinical testing. Allele origin: germline. Not counted in ClinVar's aggregate classification.
Comment: The MYH7 c.2681A>G variant is predicted to result in the amino acid substitution p.Glu894Gly. This variant was reported in numerous individuals with hypertrophic cardiomyopathy (Van Driest et al. 2004. PubMed ID: 15358028; Yu et al. 2005. PubMed ID: 15858117; Table S1B, Walsh et al. 2017. PubMed ID: 27532257). This variant has not been reported in a large population database, indicating this variant is rare. This variant is interpreted as pathogenic for hypertrophic cardiomyopathy by the ClinGen Cardiomyopathy Variant Curation Expert Panel (Table S4, Kelly et al. 2018. PubMed ID: 29300372). This variant is interpreted as pathogenic.

CHEO Genetics Diagnostic Laboratory, Children's Hospital of Eastern Ontario
Classification: Pathogenic for Cardiomyopathy. Last evaluated: 2022-06-14. Review status: criteria provided, single submitter. Criteria: ACMG Guidelines, 2015. Collection method: clinical testing. Allele origin: germline. Not counted in ClinVar's aggregate classification.

Revvity Omics, Revvity
Classification: Pathogenic. Last evaluated: 2021-12-30. Review status: criteria provided, single submitter. Criteria: ACMG Guidelines, 2015. Collection method: clinical testing. Allele origin: germline. Not counted in ClinVar's aggregate classification.

Fulgent Genetics
Classification: Pathogenic for MYH7-related skeletal myopathy; Myosin storage myopathy; Hypertrophic cardiomyopathy 1; Myopathy, myosin storage, autosomal recessive; Congenital myopathy 4A, autosomal dominant; Dilated cardiomyopathy 1S. Last evaluated: 2021-10-13. Review status: criteria provided, single submitter. Criteria: ACMG Guidelines, 2015. Collection method: clinical testing. Allele origin: unknown. Not counted in ClinVar's aggregate classification.

Molecular Diagnostic Laboratory for Inherited Cardiovascular Disease, Montreal Heart Institute
Classification: Likely pathogenic for Cardiovascular phenotype. Last evaluated: 2020-12-08. Review status: criteria provided, single submitter. Criteria: ACMG Guidelines, 2015. Collection method: clinical testing. Allele origin: germline. Affected: yes. Not counted in ClinVar's aggregate classification.

Laboratory for Molecular Medicine, Mass General Brigham Personalized Medicine
Classification: Pathogenic for Hypertrophic cardiomyopathy. Last evaluated: 2019-01-31. Review status: criteria provided, single submitter. Criteria: LMM Criteria. Collection method: clinical testing. Allele origin: germline. Inheritance: Autosomal dominant inheritance. Observed: 7 variant alleles. Not counted in ClinVar's aggregate classification.
Comment: The p.Glu894Gly variant in MYH7 has been identified in >15 individuals with HCM and segregated with disease in 5 affected relatives from 2 families (Van Driest 2004a, Van Driest 2004b, Yu 2005, Gruner 2011, Lopes 2013, Kapplinger 2014, LMM data, Agnes Ginges Centre for Molecular Cardiology data - ClinVar SCV000212641.1). One of these individuals had a second variant in MYBPC3 and presented at an earlier age with a more severe phenotype. This variant was absent from large population studies. Computational prediction tools and conservation analysis are consistent with pathogenicity. Of note, this variant lies in the head region of the protein. Missense variants in this region have been reported and statistically indicated to be more likely to cause disease (Walsh 2016). In addition, this variant was classified as pathogenic on December 15, 2016 by the ClinGen-approved Inherited Cardiomyopathy expert panel (ClinVar SCV000564436.2). In summary, this variant meets criteria to be classified as pathogenic for HCM in an autosomal dominant manner based upon segregation studies, absence from controls, and prevalence in affected individuals. ACMG/AMP Criteria applied: PS4; PM1; PM2; PP1_Moderate; PP3.